The following is an entry in ClinVar:

ClinVar aggregate classification (germline): Uncertain significance (1 of 4 stars; one submission).

Conditions:
Familial cancer of breast. Also called: Hereditary breast cancer; BREAST CANCER, FAMILIAL; hereditary breast carcinoma. Identifiers: Orphanet 227535, MedGen C0346153, MONDO:0016419, OMIM 114480. Disease mechanism: loss of function.

Submission:

Labcorp Genetics (formerly Invitae), Labcorp
Classification: Uncertain significance for Familial cancer of breast. Last evaluated: 2023-12-08. Review status: criteria provided, single submitter. Criteria: Invitae Variant Classification Sherloc (09022015). Collection method: clinical testing. Allele origin: germline.
Comment: This sequence change replaces glutamine, which is neutral and polar, with lysine, which is basic and polar, at codon 350 of the PALB2 protein (p.Gln350Lys). This variant is not present in population databases (gnomAD no frequency). This variant has not been reported in the literature in individuals affected with PALB2-related conditions. Advanced modeling of protein sequence and biophysical properties (such as structural, functional, and spatial information, amino acid conservation, physicochemical variation, residue mobility, and thermodynamic stability) performed at Invitae indicates that this missense variant is not expected to disrupt PALB2 protein function with a negative predictive value of 80%. In summary, the available evidence is currently insufficient to determine the role of this variant in disease. Therefore, it has been classified as a Variant of Uncertain Significance.

NM_024675.4(PALB2):c.1048C>A (p.Gln350Lys)

Gene: PALB2 (partner and localizer of BRCA2; minus strand). Cytogenetic location: 16p12.2.
Variant type: single nucleotide variant.
Coding change: c.1048C>A on transcript NM_024675.4 (MANE Select); coding-DNA position 1048, C replaced by A.
Protein change: p.Gln350Lys; replaces glutamine 350 with lysine.
Molecular consequence: missense variant. On other transcripts: intron variant (3).
Genome position (GRCh38, 1-based): chr16:23,635,498, G>T on the plus strand (C>A on the coding strand, the complement: PALB2 is on the minus strand). VCF-style: chr16-23635498-G-T. GRCh37 (hg19) VCF-style: chr16-23646819-G-T.
Other names: c.988C>A, p.Gln330Lys (NM_001407296.1); c.1048C>A, p.Gln350Lys (NM_001407297.1, NM_001407298.1, NM_001407299.1 and 3 more transcripts); c.163C>A, p.Gln55Lys (NM_001407304.1, NM_001407305.1, NM_001407306.1 and 5 more transcripts); c.48+5612C>A (NM_001407314.1); c.-104-5029C>A (NM_001407313.1, NM_001407312.1); short protein forms Q330K, Q55K, Q350K.
Identifiers: ClinVar variation 2701476 (VCV002701476.3), dbSNP rs1060502788, ClinGen allele CA395134171.